The following is an entry in ClinVar:

ClinVar aggregate classification (germline): Uncertain significance (1 of 4 stars; one submission).

Conditions:
Diamond-Blackfan anemia. Also called: Blackfan Diamond syndrome; Aregenerative anemia chronic congenital; Red cell aplasia, pure hereditary; Congenital hypoplastic anemia; Aase syndrome. Identifiers: Orphanet 124, MedGen C1260899, MeSH D029503, MONDO:0015253, HP:0004810.
GATA binding protein 1 related thrombocytopenia with dyserythropoiesis. Also called: GATA1-Related X-Linked Cytopenia; GATA1-Related Cytopenia. Identifiers: MedGen C1845837, MONDO:0100089.

Allele frequency attached by ClinVar (database versions not stated): gnomAD 0.00002; TOPMed 0.00002.
gnomAD v4.1: 2 of 1,204,344 alleles (0.00017%); highest among the groups gnomAD compares: African/African-American, 0.0035%; no homozygotes.

Submission:

Labcorp Genetics (formerly Invitae), Labcorp
Classification: Uncertain significance for GATA binding protein 1 related thrombocytopenia with dyserythropoiesis; Diamond-Blackfan anemia. Last evaluated: 2022-03-09. Review status: criteria provided, single submitter. Criteria: Invitae Variant Classification Sherloc (09022015). Collection method: clinical testing. Allele origin: germline.
Comment: This variant has not been reported in the literature in individuals affected with GATA1-related conditions. In summary, the available evidence is currently insufficient to determine the role of this variant in disease. Therefore, it has been classified as a Variant of Uncertain Significance. Algorithms developed to predict the effect of missense changes on protein structure and function are either unavailable or do not agree on the potential impact of this missense change (SIFT: "Tolerated"; PolyPhen-2: "Probably Damaging"; Align-GVGD: "Class C0"). This variant is present in population databases (no rsID available, gnomAD 0.02%). This sequence change replaces threonine, which is neutral and polar, with asparagine, which is neutral and polar, at codon 48 of the GATA1 protein (p.Thr48Asn).

NM_002049.4(GATA1):c.143C>A (p.Thr48Asn)

Gene: GATA1 (GATA binding protein 1; plus strand). Cytogenetic location: Xp11.23.
Variant type: single nucleotide variant.
Coding change: c.143C>A on transcript NM_002049.4 (MANE Select); coding-DNA position 143, C replaced by A.
Protein change: p.Thr48Asn; replaces threonine 48 with asparagine.
Molecular consequence: missense variant.
Genome position (GRCh38, 1-based): chrX:48,791,252, C>A. VCF-style: chrX-48791252-C-A. GRCh37 (hg19) VCF-style: chrX-48649659-C-A.
Other names: short protein forms T48N.
Identifiers: ClinVar variation 2147867 (VCV002147867.4), dbSNP rs1223699669, ClinGen allele CA412867054.
Genomic context (GRCh38, chrX:48,791,252, plus strand): 5'-CAGAATCAGGGGTTTTCTTCCCCTCTGGGCCTGAGGGCTTGGATGCAGCAGCTTCCTCCA[C>A]TGCCCCGAGCACAGCCACCGCTGCAGCTGCGGCACTGGCCTACTACAGGGACGCTGAGGC-3'
Protein context (NP_002040.1, residues 38-58): PEGLDAAASS[Thr48Asn]APSTATAAAA